The following is an entry in ClinVar:

ClinVar aggregate classification (germline): Pathogenic (1 of 4 stars; one submission).

Submission:

Labcorp Genetics (formerly Invitae), Labcorp
Classification: Pathogenic. Last evaluated: 2024-01-22. Review status: criteria provided, single submitter. Criteria: Invitae Variant Classification Sherloc (09022015). Collection method: clinical testing. Allele origin: germline.
Comment: This sequence change creates a premature translational stop signal (p.Ser609Glyfs*2) in the SORL1 gene. It is expected to result in an absent or disrupted protein product. Loss-of-function variants in SORL1 are known to be pathogenic (PMID: 26303663, 27026413). This variant is not present in population databases (gnomAD no frequency). This variant has not been reported in the literature in individuals affected with SORL1-related conditions. For these reasons, this variant has been classified as Pathogenic.

Literature cited by the submitters: PubMed 26303663; PubMed 27026413.

NM_003105.6(SORL1):c.1825_1828del (p.Ser609fs)

Gene: SORL1 (sortilin related receptor 1; plus strand). Cytogenetic location: 11q24.1.
Variant type: Deletion.
Coding change: c.1825_1828del on transcript NM_003105.6 (MANE Select); coding-DNA positions 1825 to 1828, 4 bases deleted (AGCT; older notation c.1825_1828delAGCT).
Protein change: p.Ser609fs; shifts the reading frame from serine 609.
Molecular consequence: frameshift variant.
Genome position (GRCh38, 1-based): chr11:121,543,687-121,543,690, AGCT deleted. VCF-style (leftmost placement, unchanged base first): chr11-121543686-CAGCT-C. GRCh37 (hg19) VCF-style: chr11-121414395-CAGCT-C.
Other names: short protein forms S609fs.
Identifiers: ClinVar variation 2702184 (VCV002702184.3), dbSNP rs2496868089, ClinGen allele CA2697559062.